The following is an entry in ClinVar:

ClinVar aggregate classification (germline): Uncertain significance (1 of 4 stars; one submission).

Conditions:
Dilated cardiomyopathy 1W (CMD1W). Identifiers: Orphanet 154, MedGen C1969639, MONDO:0012667, OMIM 611407.

Submission:

Victorian Clinical Genetics Services, Murdoch Childrens Research Institute
Classification: Uncertain significance for Dilated cardiomyopathy 1W. Last evaluated: 2022-09-02. Review status: criteria provided, single submitter. Criteria: ACMG Guidelines, 2015. Collection method: clinical testing. Allele origin: germline. Inheritance: Autosomal dominant inheritance. Affected: yes.
Comment: Based on the classification scheme VCGS_Germline_v1.3.4, this variant is classified as VUS-3B. Following criteria are met: 0105 - The mechanism of disease for this gene is not clearly established. However, null variants have been reported in patients and therefore loss-of-function is speculated (PMID: 32516855). (I) 0107 - This gene is associated with autosomal dominant disease. (I) 0112 - The condition associated with this gene has incomplete penetrance. Asymptomatic carriers have been reported in families with null variants (PMID: 32516855). (I) 0200 - Variant is predicted to result in a missense amino acid change from glutamic acid to lysine. (I) 0251 - This variant is heterozygous. (I) 0301 - Variant is absent from gnomAD (both v2 and v3). (SP) 0502 - Missense variant with conflicting in silico predictions and high conservation. (I) 0600 - Variant is located in the annotated vinculin domain (DECIPHER). (I) 0705 - No comparable missense variants have previous evidence for pathogenicity. (I) 0807 - This variant has no previous evidence of pathogenicity. (I) 0905 - No published segregation evidence has been identified for this variant. (I) 1007 - No published functional evidence has been identified for this variant. (I) 1208 - Inheritance information for this variant is not currently available in this individual. (I) Legend: (SP) - Supporting pathogenic, (I) - Information, (SB) - Supporting benign

Literature cited by the submitters: PubMed 32516855.

NM_014000.3(VCL):c.2569G>A (p.Glu857Lys)

Gene: VCL (vinculin; plus strand). Cytogenetic location: 10q22.2.
Variant type: single nucleotide variant.
Coding change: c.2569G>A on transcript NM_014000.3 (MANE Select); coding-DNA position 2569, G replaced by A.
Protein change: p.Glu857Lys; replaces glutamic acid 857 with lysine.
Molecular consequence: missense variant.
Genome position (GRCh38, 1-based): chr10:74,108,980, G>A. VCF-style: chr10-74108980-G-A. GRCh37 (hg19) VCF-style: chr10-75868738-G-A.
Other names: c.2569G>A, p.Glu857Lys (NM_003373.4); short protein forms E857K.
Identifiers: ClinVar variation 1806001 (VCV001806001.1), dbSNP rs2549234256, ClinGen allele CA377264047.